The following is an entry in ClinVar:

ClinVar aggregate classification (germline): Benign (0 of 4 stars; one submission).

Conditions:
MPO-related disorder. Also called: MPO-related condition.

Allele frequency attached by ClinVar (database versions not stated): gnomAD exomes 0.07866; ExAC 0.09183; TOPMed 0.10770; ESP Exome Variant Server 0.11041; 1000 Genomes Project 30x 0.11790; 1000 Genomes Project 0.12021.

Submission:

PreventionGenetics, part of Exact Sciences
Classification: Benign for MPO-related condition. Last evaluated: 2020-01-02. Review status: no assertion criteria provided. Collection method: clinical testing. Allele origin: germline.
Comment: This variant is classified as benign based on ACMG/AMP sequence variant interpretation guidelines (Richards et al. 2015 PMID: 25741868, with internal and published modifications).

NM_000250.2(MPO):c.157G>T (p.Val53Phe)

Genes: MPO (myeloperoxidase; minus strand), LOC106694315 (MPO proximal enhancer and promoter region; plus strand). Cytogenetic location: 17q22.
Variant type: single nucleotide variant.
Coding change: c.157G>T on transcript NM_000250.2 (MANE Select); coding-DNA position 157, G replaced by T.
Protein change: p.Val53Phe; replaces valine 53 with phenylalanine.
Molecular consequence: missense variant.
Genome position (GRCh38, 1-based): chr17:58,280,457, C>A on the plus strand (G>T on the coding strand, the complement: MPO is on the minus strand). VCF-style: chr17-58280457-C-A. GRCh37 (hg19) VCF-style: chr17-56357818-C-A.
Other names: short protein forms V53F.
Identifiers: ClinVar variation 3055447 (VCV003055447.2), dbSNP rs7208693, ClinGen allele CA8671072.